The following is an entry in ClinVar:

NM_003124.5(SPR):c.57C>G (p.Phe19Leu)

Genes: SPR (sepiapterin reductase; plus strand), LOC129934069 (ATAC-STARR-seq lymphoblastoid silent region 11626; plus strand). Cytogenetic location: 2p13.2.
Variant type: single nucleotide variant.
Coding change: c.57C>G on transcript NM_003124.5 (MANE Select); coding-DNA position 57, C replaced by G.
Protein change: p.Phe19Leu; replaces phenylalanine 19 with leucine.
Molecular consequence: missense variant.
Genome position (GRCh38, 1-based): chr2:72,887,489, C>G. VCF-style: chr2-72887489-C-G. GRCh37 (hg19) VCF-style: chr2-73114618-C-G.
Other names: p.Phe19Leu; short protein forms F19L.
Identifiers: ClinVar variation 1251966 (VCV001251966.3), dbSNP rs774659668, ClinGen allele CA347230438.
Genomic context (GRCh38, chr2:72,887,489, plus strand): 5'-GAGCATGGAGGGCGGGCTGGGGCGTGCTGTGTGCTTGCTGACCGGGGCCTCCCGCGGCTT[C>G]GGCCGGACGCTGGCCCCGCTCCTGGCCTCGCTGCTGTCGCCCGGCTCCGTGCTTGTCCTT-3'
Protein context (NP_003115.1, residues 9-29): VCLLTGASRG[Phe19Leu]GRTLAPLLAS

ClinVar aggregate classification (germline): Uncertain significance (1 of 4 stars; one submission).

Conditions:
Dopa-responsive dystonia due to sepiapterin reductase deficiency. Also called: DYT-SPR; SPR DEFICIENCY; Sepiapterin reductase deficiency. Identifiers: Orphanet 70594, MedGen C0268468, MONDO:0012994, OMIM 612716.

Submission:

Foundation for Research in Genetics and Endocrinology, FRIGE's Institute of Human Genetics
Classification: Uncertain significance for Dopa-responsive dystonia due to sepiapterin reductase deficiency. Last evaluated: 2021-04-13. Review status: criteria provided, single submitter. Criteria: ACMG Guidelines, 2015. Collection method: clinical testing. Allele origin: germline. Inheritance: Autosomal dominant inheritance. Affected: yes. Observed: 1 heterozygote.
Comment: A heterozygous missense variation in exon 1 of the SPR gene that results in the amino acid substitution of Leucine for Phenylalanine at codon 19 was detected. The observed variant c.57C>G (p.Phe19Leu) has not been reported in the 1000 genomes and gnomAD databases. The in silico prediction of the variant are damaging by LRT and MutationTaster2. The reference codon is conserved across species. In summary, the variant meets our criteria to be classified as a variant of uncertain significance.